The following is an entry in ClinVar:

NM_198576.4(AGRN):c.579G>A (p.Ala193=)

Gene: AGRN (agrin; plus strand). Cytogenetic location: 1p36.33.
Variant type: single nucleotide variant.
Coding change: c.579G>A on transcript NM_198576.4 (MANE Select); coding-DNA position 579, G replaced by A.
Protein change: p.Ala193=; no amino-acid change (alanine 193 retained).
Molecular consequence: synonymous variant.
Genome position (GRCh38, 1-based): chr1:1,040,732, G>A. VCF-style: chr1-1040732-G-A. GRCh37 (hg19) VCF-style: chr1-976112-G-A.
Other names: c.579G>A, p.Ala193= (NM_001305275.2); c.264G>A, p.Ala88= (NM_001364727.2).
Identifiers: ClinVar variation 474159 (VCV000474159.43), dbSNP rs201301445, ClinGen allele CA507881.
Genomic context (GRCh38, chr1:1,040,732, plus strand): 5'-GGGAATGCTGTGCGGCTTCGGCGCCGTGTGCGAGCCCAACGCGGAGGGGCCGGGCCGGGC[G>A]TCCTGCGTCTGCAAGAAGAGCCCGTGCCCCAGCGTGGTGGCGCCTGTGTGTGGGTCGGAC-3'
Protein context (NP_940978.2, residues 183-203): CEPNAEGPGR[Ala193=]SCVCKKSPCP

ClinVar aggregate classification (germline): Benign/Likely benign. Review status: criteria provided, multiple submitters, no conflicts (2 of 4 stars). 4 submissions from 4 submitters: Benign (2); Likely benign (2). Last evaluated 2026-01-19.

Conditions:
AGRN-related disorder. Also called: AGRN-related condition.
Congenital myasthenic syndrome 8. Also called: Myasthenic syndrome, congenital, 8, with pre- and postsynaptic defects; MYASTHENIC SYNDROME, CONGENITAL, DUE TO AGRIN DEFICIENCY. Identifiers: Orphanet 590, MedGen C3808739, MONDO:0014052, OMIM 615120.

Allele frequency attached by ClinVar (database versions not stated): ExAC 0.00160; ESP Exome Variant Server 0.00300; gnomAD 0.00310 and 0.00331; TOPMed 0.00374; 1000 Genomes Project 0.00479; 1000 Genomes Project 30x 0.00484.
gnomAD v4.1: 904 of 1,545,884 alleles (0.058%); highest among the groups gnomAD compares: African/African-American, 1.1%; 7 homozygotes.

Submissions (4):

Labcorp Genetics (formerly Invitae), Labcorp
Classification: Benign for Congenital myasthenic syndrome 8. Last evaluated: 2026-01-19. Review status: criteria provided, single submitter. Criteria: Invitae Variant Classification Sherloc (09022015). Collection method: clinical testing. Allele origin: germline.

PreventionGenetics, part of Exact Sciences
Classification: Benign for AGRN-related condition. Last evaluated: 2025-01-06. Review status: criteria provided, single submitter. Criteria: ACMG Guidelines, 2015. Collection method: clinical testing. Allele origin: germline.
Comment: This variant is classified as benign based on ACMG/AMP sequence variant interpretation guidelines (Richards et al. 2015 PMID: 25741868, with internal and published modifications).

Blueprint Genetics
Classification: Likely benign. Last evaluated: 2024-08-21. Review status: criteria provided, single submitter. Criteria: ACMG Guidelines, 2015. Collection method: clinical testing. Allele origin: germline.

CeGaT Center for Human Genetics Tuebingen
Classification: Likely benign. Last evaluated: 2022-07-01. Review status: criteria provided, single submitter. Criteria: CeGaT Center For Human Genetics Tuebingen Variant Classification Criteria Version 2. Collection method: clinical testing. Allele origin: germline. Affected: yes. Observed: 1 variant allele.
Comment: AGRN: BP4, BP7